The following is an entry in ClinVar:

ClinVar aggregate classification (germline): Uncertain significance (1 of 4 stars; one submission).

Allele frequency attached by ClinVar (database versions not stated): TOPMed below 0.00001.

Submission:

Labcorp Genetics (formerly Invitae), Labcorp
Classification: Uncertain significance. Last evaluated: 2023-02-25. Review status: criteria provided, single submitter. Criteria: Invitae Variant Classification Sherloc (09022015). Collection method: clinical testing. Allele origin: germline.
Comment: In summary, the available evidence is currently insufficient to determine the role of this variant in disease. Therefore, it has been classified as a Variant of Uncertain Significance. An algorithm developed to predict the effect of missense changes on protein structure and function (PolyPhen-2) suggests that this variant is likely to be tolerated. This variant has not been reported in the literature in individuals affected with RP1-related conditions. This variant is not present in population databases (gnomAD no frequency). This sequence change replaces aspartic acid, which is acidic and polar, with glycine, which is neutral and non-polar, at codon 1377 of the RP1 protein (p.Asp1377Gly).

NM_006269.2(RP1):c.4130A>G (p.Asp1377Gly)

Gene: RP1 (RP1 axonemal microtubule associated; plus strand). Cytogenetic location: 8q12.1.
Variant type: single nucleotide variant.
Coding change: c.4130A>G on transcript NM_006269.2 (MANE Select); coding-DNA position 4130, A replaced by G.
Protein change: p.Asp1377Gly; replaces aspartic acid 1377 with glycine.
Molecular consequence: missense variant. On other transcripts: intron variant (1).
Genome position (GRCh38, 1-based): chr8:54,628,012, A>G. VCF-style: chr8-54628012-A-G. GRCh37 (hg19) VCF-style: chr8-55540572-A-G.
Other names: c.787+5724A>G (NM_001375654.1); short protein forms D1377G.
Identifiers: ClinVar variation 2806959 (VCV002806959.3), dbSNP rs1332588522, ClinGen allele CA370981333.